The following is an entry in ClinVar:

NM_153026.3(PRICKLE1):c.113C>G (p.Pro38Arg)

Gene: PRICKLE1 (prickle planar cell polarity protein 1; minus strand). Cytogenetic location: 12q12.
Variant type: single nucleotide variant.
Coding change: c.113C>G on transcript NM_153026.3 (MANE Select); coding-DNA position 113, C replaced by G.
Protein change: p.Pro38Arg; replaces proline 38 with arginine.
Molecular consequence: missense variant.
Genome position (GRCh38, 1-based): chr12:42,472,404, G>C on the plus strand (C>G on the coding strand, the complement: PRICKLE1 is on the minus strand). VCF-style: chr12-42472404-G-C. GRCh37 (hg19) VCF-style: chr12-42866206-G-C.
Other names: c.113C>G, p.Pro38Arg (NM_001144881.2, NM_001144882.2, NM_001144883.2); short protein forms P38R.
Identifiers: ClinVar variation 5005099 (VCV005005099.2).

ClinVar aggregate classification (germline): Uncertain significance (1 of 4 stars; one submission).

Conditions:
Epilepsy, progressive myoclonic, 1B. Also called: PME. Identifiers: Orphanet 308, MedGen C2676254, MONDO:0012904, OMIM 612437.

gnomAD v4.1: 1 of 1,613,624 alleles (0.000062%); highest among the groups gnomAD compares: Non-Finnish European, 0.000085%; no homozygotes.

Submission:

Juno Genomics, Hangzhou Juno Genomics, Inc
Classification: Uncertain significance for Epilepsy, progressive myoclonic, 1B. Review status: criteria provided, single submitter. Criteria: ACMG Guidelines, 2015. Collection method: clinical testing. Allele origin: germline.
Comment: Absent from controls (or at extremely low frequency if recessive) in Genome Aggregation Database.;Multiple lines of computational evidence support a deleterious effect on the gene or gene product.